The following is an entry in ClinVar:

NM_000744.7(CHRNA4):c.1117G>A (p.Glu373Lys)

Gene: CHRNA4 (cholinergic receptor nicotinic alpha 4 subunit; minus strand). Cytogenetic location: 20q13.33.
Variant type: single nucleotide variant.
Coding change: c.1117G>A on transcript NM_000744.7 (MANE Select); coding-DNA position 1117, G replaced by A.
Protein change: p.Glu373Lys; replaces glutamic acid 373 with lysine.
Molecular consequence: missense variant. On other transcripts: non-coding transcript variant (1).
Genome position (GRCh38, 1-based): chr20:63,350,294, C>T on the plus strand (G>A on the coding strand, the complement: CHRNA4 is on the minus strand). VCF-style: chr20-63350294-C-T. GRCh37 (hg19) VCF-style: chr20-61981646-C-T.
Other names: c.589G>A, p.Glu197Lys (NM_001256573.2); short protein forms E373K, E197K.
Identifiers: ClinVar variation 420576 (VCV000420576.11), dbSNP rs1064794565, ClinGen allele CA16620954.

ClinVar aggregate classification (germline): Uncertain significance. Review status: criteria provided, multiple submitters, no conflicts (2 of 4 stars). 2 submissions from 2 submitters: Uncertain significance (2). Last evaluated 2024-10-22.

Conditions:
Familial sleep-related hypermotor epilepsy. Also called: Autosomal Dominant Sleep-Related Hypermotor (Hyperkinetic) Epilepsy. Identifiers: Orphanet 98784, MedGen C3696898, MONDO:0000030.

Allele frequency attached by ClinVar (database versions not stated): gnomAD exomes below 0.00001 and 0.00001; TOPMed below 0.00001.

Submissions (2):

Labcorp Genetics (formerly Invitae), Labcorp
Classification: Uncertain significance. Last evaluated: 2024-10-22. Review status: criteria provided, single submitter. Criteria: Invitae Variant Classification Sherloc (09022015). Collection method: clinical testing. Allele origin: germline.
Comment: This sequence change replaces glutamic acid, which is acidic and polar, with lysine, which is basic and polar, at codon 373 of the CHRNA4 protein (p.Glu373Lys). This variant is present in population databases (no rsID available, gnomAD 0.003%). This variant has not been reported in the literature in individuals affected with CHRNA4-related conditions. ClinVar contains an entry for this variant (Variation ID: 420576). Invitae Evidence Modeling of protein sequence and biophysical properties (such as structural, functional, and spatial information, amino acid conservation, physicochemical variation, residue mobility, and thermodynamic stability) indicates that this missense variant is not expected to disrupt CHRNA4 protein function with a negative predictive value of 80%. In summary, the available evidence is currently insufficient to determine the role of this variant in disease. Therefore, it has been classified as a Variant of Uncertain Significance.

GeneDx
Classification: Uncertain significance. Last evaluated: 2016-02-23. Review status: criteria provided, single submitter. Criteria: GeneDx Variant Classification (06012015). Collection method: clinical testing. Allele origin: germline. Affected: yes.
Comment: The E373K variant in the CHRNA4 gene has not been reported previously as a pathogenic variant, nor as a benign variant, to our knowledge. The E373K variant was not observed in approximately 6500 individuals of European and African American ancestry in the NHLBI Exome Sequencing Project, indicating it is not a common benign variant in these populations. The E373K variant is a non-conservative amino acid substitution, which is likely to impact secondary protein structure as these residues differ in polarity, charge, size and/or other properties. This substitution occurs at a position that is conserved across species. In silico analysis is inconsistent in its predictions as to whether or not the variant is damaging to)] the protein structure/function. We interpret E373K as a variant of uncertain significance.